The following is an entry in ClinVar:

NM_004006.3(DMD):c.9225-669G>A

Gene: DMD (dystrophin; minus strand). Cytogenetic location: Xp21.2.
Variant type: single nucleotide variant.
Coding change: c.9225-669G>A on transcript NM_004006.3 (MANE Select); 669 bases into the intron before coding-DNA position 9225, G replaced by A.
Molecular consequence: intron variant.
Genome position (GRCh38, 1-based): chrX:31,261,685, C>T on the plus strand (G>A on the coding strand, the complement: DMD is on the minus strand). VCF-style: chrX-31261685-C-T. GRCh37 (hg19) VCF-style: chrX-31279802-C-T.
Other names: c.9201-669G>A (NM_000109.4); c.5202-669G>A (NM_004011.4); c.5193-669G>A (NM_004012.4); c.1845-669G>A (NM_004023.3, NM_004020.4, NM_004022.3 and 2 more transcripts); c.1038-669G>A (NM_004014.3); c.21-669G>A (NM_004018.3, NM_004017.3, NM_004016.3 and 2 more transcripts); c.9213-669G>A (NM_004009.3); c.8856-669G>A (NM_004010.3).
Identifiers: ClinVar variation 671089 (VCV000671089.2), dbSNP rs139193266, ClinGen allele CA147866.

ClinVar aggregate classification (germline): Likely benign. Review status: criteria provided, single submitter (1 of 4 stars). 2 submissions from 2 submitters: Likely benign (1). 1 of the submissions does not count toward it. Last evaluated 2018-06-19.

Conditions:
Duchenne muscular dystrophy (DMD). Also called: MUSCULAR DYSTROPHY, PSEUDOHYPERTROPHIC PROGRESSIVE, DUCHENNE TYPE; Duchenne Muscular Dystrophy (DMD). Identifiers: Orphanet 98896, MedGen C0013264, MONDO:0010679, OMIM 310200.
Dystrophin deficiency.
Becker muscular dystrophy (BMD). Also called: MUSCULAR DYSTROPHY, PSEUDOHYPERTROPHIC PROGRESSIVE, BECKER TYPE; Becker Muscular Dystrophy (BMD). Identifiers: Orphanet 98895, MedGen C0917713, MONDO:0010311, OMIM 300376.
Cardiomyopathy (CMYO). Also called: Cardiomyopathies. Identifiers: Orphanet 167848, MedGen C0878544, MONDO:0004994, HP:0001638. Inheritance: Various modes of inheritance.

Allele frequency attached by ClinVar (database versions not stated): 1000 Genomes Project 0.00503; 1000 Genomes Project 30x 0.00541; gnomAD 0.01134 and 0.01156; TOPMed 0.01209; gnomAD exomes 0.04082.
gnomAD v4.1: 1,275 of 112,292 alleles (1.1%); highest among the groups gnomAD compares: Admixed American, 3.2%; 12 homozygotes.

Submissions (2):

GeneDx
Classification: Likely benign. Last evaluated: 2018-06-19. Review status: criteria provided, single submitter. Criteria: GeneDx Variant Classification (06012015). Collection method: clinical testing. Allele origin: germline. Affected: yes.
Comment: This variant is considered likely benign or benign based on one or more of the following criteria: it is a conservative change, it occurs at a poorly conserved position in the protein, it is predicted to be benign by multiple in silico algorithms, and/or has population frequency not consistent with disease.

Natera, Inc.
Classification: Likely benign for Becker muscular dystrophy; Cardiomyopathy; Duchenne muscular dystrophy; Dystrophin deficiency. Last evaluated: 2017-04-21. Review status: no assertion criteria provided. Collection method: clinical testing. Allele origin: germline. Not counted in ClinVar's aggregate classification.